The following is an entry in ClinVar:

NM_001371279.1(REEP1):c.94A>T (p.Ile32Phe)

Gene: REEP1 (receptor accessory protein 1; minus strand). Cytogenetic location: 2p11.2.
Variant type: single nucleotide variant.
Coding change: c.94A>T on transcript NM_001371279.1 (MANE Select); coding-DNA position 94, A replaced by T.
Protein change: p.Ile32Phe; replaces isoleucine 32 with phenylalanine.
Molecular consequence: missense variant. On other transcripts: intron variant (1).
Genome position (GRCh38, 1-based): chr2:86,282,181, T>A on the plus strand (A>T on the coding strand, the complement: REEP1 is on the minus strand). VCF-style: chr2-86282181-T-A. GRCh37 (hg19) VCF-style: chr2-86509304-T-A.
Other names: c.115A>T, p.Ile39Phe (NM_001164730.2); c.94A>T, p.Ile32Phe (NM_001164732.2, NM_001371280.1, NM_001410855.1 and 2 more transcripts); c.25-18140A>T (NM_001164731.2); short protein forms I32F, I39F.
Identifiers: ClinVar variation 3008896 (VCV003008896.4), dbSNP rs745678615, ClinGen allele CA347722481.

ClinVar aggregate classification (germline): Uncertain significance. Review status: criteria provided, multiple submitters, no conflicts (2 of 4 stars). 2 submissions from 2 submitters: Uncertain significance (2). Last evaluated 2025-03-17.

Conditions:
Hereditary spastic paraplegia 31. Also called: SPASTIC PARAPLEGIA 31, AUTOSOMAL DOMINANT. Identifiers: Orphanet 101011, MedGen C1853247, MONDO:0012453, OMIM 610250.

gnomAD v4.1: 5 of 1,608,880 alleles (0.00031%); highest among the groups gnomAD compares: Non-Finnish European, 0.00043%; no homozygotes.

Submissions (2):

Labcorp Genetics (formerly Invitae), Labcorp
Classification: Uncertain significance for Hereditary spastic paraplegia 31. Last evaluated: 2025-03-17. Review status: criteria provided, single submitter. Criteria: Invitae Variant Classification Sherloc (09022015). Collection method: clinical testing. Allele origin: germline.
Comment: This sequence change replaces isoleucine, which is neutral and non-polar, with phenylalanine, which is neutral and non-polar, at codon 32 of the REEP1 protein (p.Ile32Phe). This variant is not present in population databases (gnomAD no frequency). This variant has not been reported in the literature in individuals affected with REEP1-related conditions. ClinVar contains an entry for this variant (Variation ID: 3008896). An algorithm developed to predict the effect of missense changes on protein structure and function (PolyPhen-2) suggests that this variant is likely to be disruptive. In summary, the available evidence is currently insufficient to determine the role of this variant in disease. Therefore, it has been classified as a Variant of Uncertain Significance.

Blueprint Genetics
Classification: Uncertain significance. Last evaluated: 2020-11-25. Review status: criteria provided, single submitter. Criteria: ACMG Guidelines, 2015. Collection method: clinical testing. Allele origin: germline.